The following is an entry in ClinVar:

NM_000038.6(APC):c.3552C>T (p.Ala1184=)

Gene: APC (APC regulator of Wnt signaling pathway; plus strand). Cytogenetic location: 5q22.2.
Variant type: single nucleotide variant.
Coding change: c.3552C>T on transcript NM_000038.6 (MANE Select); coding-DNA position 3552, C replaced by T.
Protein change: p.Ala1184=; no amino-acid change (alanine 1184 retained).
Molecular consequence: synonymous variant.
Genome position (GRCh38, 1-based): chr5:112,839,146, C>T. VCF-style: chr5-112839146-C-T. GRCh37 (hg19) VCF-style: chr5-112174843-C-T.
Other names: c.3552C>T, p.Ala1184= (NM_001127510.3, NM_001354895.2); c.3498C>T, p.Ala1166= (NM_001127511.3); c.3606C>T, p.Ala1202= (NM_001354896.2); c.3582C>T, p.Ala1194= (NM_001354897.2); c.3477C>T, p.Ala1159= (NM_001354898.2); c.3468C>T, p.Ala1156= (NM_001354899.2); c.3429C>T, p.Ala1143= (NM_001354900.2); c.3375C>T, p.Ala1125= (NM_001354901.2); and 5 more.
Identifiers: ClinVar variation 236593 (VCV000236593.23), dbSNP rs759407858, ClinGen allele CA035722.

ClinVar aggregate classification (germline): Benign/Likely benign. Review status: criteria provided, multiple submitters, no conflicts (2 of 4 stars). 7 submissions from 7 submitters: Benign (1); Likely benign (5). 1 of the submissions does not count toward it. Last evaluated 2025-12-27.

Conditions:
Classic or attenuated familial adenomatous polyposis. Identifiers: MedGen CN372698, MONDO:0021057.
Hereditary cancer-predisposing syndrome. Also called: Hereditary neoplastic syndrome; Hereditary Cancer Syndrome; Neoplastic Syndromes, Hereditary; Tumor predisposition. Identifiers: Orphanet 140162, MedGen C0027672, MeSH D009386, MONDO:0015356.
Familial adenomatous polyposis 1 (FAP1). Also called: FAMILIAL ADENOMATOUS POLYPOSIS 1, ATTENUATED; POLYPOSIS, ADENOMATOUS INTESTINAL. Identifiers: MedGen C2713442, MONDO:0021056, OMIM 175100. Disease mechanism: loss of function.

Allele frequency attached by ClinVar (database versions not stated): ExAC 0.00002; gnomAD exomes 0.00002; TOPMed 0.00003; gnomAD 0.00004 and 0.00005.
gnomAD v4.1: 116 of 1,613,872 alleles (0.0072%); highest among the groups gnomAD compares: Non-Finnish European, 0.0094%; no homozygotes.

Submissions (7):

Labcorp Genetics (formerly Invitae), Labcorp
Classification: Likely benign for Familial adenomatous polyposis 1. Last evaluated: 2025-12-27. Review status: criteria provided, single submitter. Criteria: Invitae Variant Classification Sherloc (09022015). Collection method: clinical testing. Allele origin: germline.

Women's Health and Genetics/Laboratory Corporation of America, LabCorp
Classification: Likely benign. Last evaluated: 2025-06-20. Review status: criteria provided, single submitter. Criteria: LabCorp Variant Classification Summary - May 2015. Collection method: clinical testing. Allele origin: germline.

All of Us Research Program, National Institutes of Health
Classification: Likely benign for Classic or attenuated familial adenomatous polyposis. Last evaluated: 2023-12-13. Review status: criteria provided, single submitter. Criteria: ACMG Guidelines, 2015. Collection method: clinical testing. Allele origin: germline. Inheritance: Autosomal dominant inheritance. Observed: 6 variant alleles, 6 heterozygotes.
Comment: This study involves interpretation of variants in research participants for the purpose of population health screening. Participant phenotype was not available at the time of variant classification. Additional details can be found in publication PMID: 35346344, PMCID: PMC8962531

Myriad Genetics, Inc.
Classification: Benign for Familial adenomatous polyposis 1. Last evaluated: 2023-02-15. Review status: criteria provided, single submitter. Criteria: Myriad Autosomal Dominant, Autosomal Recessive and X-Linked Classification Criteria (2023). Collection method: clinical testing. Allele origin: unknown.
Comment: This variant is considered benign. This variant is a silent/synonymous amino acid change and it is not expected to impact splicing.

Color Diagnostics, LLC DBA Color Health
Classification: Likely benign for Hereditary cancer-predisposing syndrome. Last evaluated: 2017-04-20. Review status: criteria provided, single submitter. Criteria: ACMG Guidelines, 2015. Collection method: clinical testing. Allele origin: germline.

Ambry Genetics
Classification: Likely benign for Hereditary cancer-predisposing syndrome. Last evaluated: 2015-05-29. Review status: criteria provided, single submitter. Criteria: Ambry Variant Classification Scheme 2023. Collection method: clinical testing. Allele origin: germline.

Counsyl
Classification: Likely benign for Familial adenomatous polyposis 1. Last evaluated: 2016-10-28. Review status: no assertion criteria provided. Collection method: clinical testing. Allele origin: unknown. Not counted in ClinVar's aggregate classification.